The following is an entry in ClinVar:

NM_022369.4(STRA6):c.597+6C>T

Gene: STRA6 (signaling receptor and transporter of retinol STRA6; minus strand). Cytogenetic location: 15q24.1.
Variant type: single nucleotide variant.
Coding change: c.597+6C>T on transcript NM_022369.4 (MANE Select); 6 bases into the intron after coding-DNA position 597, C replaced by T.
Molecular consequence: intron variant. On other transcripts: 3 prime UTR variant (1).
Genome position (GRCh38, 1-based): chr15:74,195,296, G>A on the plus strand (C>T on the coding strand, the complement: STRA6 is on the minus strand). VCF-style: chr15-74195296-G-A. GRCh37 (hg19) VCF-style: chr15-74487637-G-A.
Other names: c.*306C>T (NM_001142620.2); c.708+6C>T (NM_001199040.2); c.570+6C>T (NM_001142619.2); c.597+6C>T (NM_001142617.2, NM_001142618.2); c.642+6C>T (NM_001199041.2); c.714+6C>T (NM_001199042.2).
Identifiers: ClinVar variation 464035 (VCV000464035.12), dbSNP rs374631703, ClinGen allele CA7654945.

ClinVar aggregate classification (germline): Likely benign. Review status: criteria provided, multiple submitters, no conflicts (2 of 4 stars). 3 submissions from 3 submitters: Likely benign (2). 1 of the submissions does not count toward it. Last evaluated 2025-08-06.

Conditions:
Microphthalmia, syndromic 9. Also called: Matthew-Wood syndrome; ANOPHTHALMIA, CLINICAL, WITH MILD FACIAL DYSMORPHISM AND VARIABLE MALFORMATIONS OF THE LUNG, HEART, AND DIAPHRAGM; ANOPHTHALMIA/MICROPHTHALMIA AND PULMONARY HYPOPLASIA; PULMONARY AGENESIS, MICROPHTHALMIA, AND DIAPHRAGMATIC DEFECT; SPEAR SYNDROME. Identifiers: Orphanet 2470, MedGen C1832661, MONDO:0011010, OMIM 601186.
STRA6-related disorder. Also called: STRA6-related condition.

Allele frequency attached by ClinVar (database versions not stated): ESP Exome Variant Server 0.00008; TOPMed 0.00014; 1000 Genomes Project 0.00020; 1000 Genomes Project 30x 0.00031.
gnomAD v4.1: 530 of 1,611,810 alleles (0.033%); highest among the groups gnomAD compares: South Asian, 0.28%; 3 homozygotes.

Submissions (3):

Labcorp Genetics (formerly Invitae), Labcorp
Classification: Likely benign for Microphthalmia, syndromic 9. Last evaluated: 2025-08-06. Review status: criteria provided, single submitter. Criteria: Invitae Variant Classification Sherloc (09022015). Collection method: clinical testing. Allele origin: germline.

Blueprint Genetics
Classification: Likely benign. Last evaluated: 2024-09-11. Review status: criteria provided, single submitter. Criteria: ACMG Guidelines, 2015. Collection method: clinical testing. Allele origin: germline.

PreventionGenetics, part of Exact Sciences
Classification: Likely benign for STRA6-related condition. Last evaluated: 2019-03-13. Review status: no assertion criteria provided. Collection method: clinical testing. Allele origin: germline. Not counted in ClinVar's aggregate classification.
Comment: This variant is classified as likely benign based on ACMG/AMP sequence variant interpretation guidelines (Richards et al. 2015 PMID: 25741868, with internal and published modifications).